The following is an entry in ClinVar:

ClinVar aggregate classification (germline): Conflicting classifications of pathogenicity. Review status: criteria provided, conflicting classifications (1 of 4 stars). 5 submissions from 5 submitters: Uncertain significance (4); Benign (1). Last evaluated 2025-11-05.

Conditions:
Familial thoracic aortic aneurysm and aortic dissection (TAAD). Also called: Thoracic aortic aneurysms and dissections. Identifiers: Orphanet 91387, MedGen C4707243, MONDO:0019625.
Heterotopia, periventricular, X-linked dominant (PVNH1). Also called: PERIVENTRICULAR NODULAR HETEROTOPIA 1; X-linked periventricular heterotopia; PERIVENTRICULAR NODULAR HETEROTOPIA 4; HETEROTOPIA, PERIVENTRICULAR, 1. Identifiers: Orphanet 2149, Orphanet 82004, MedGen C1848213, MONDO:0010233, OMIM 300049.
Oto-palato-digital syndrome, type II (OPD2). Also called: FACIOPALATOOSSEOUS SYNDROME; Otopalatodigital Syndrome, Type II; OPD II SYNDROME; Otopalatodigital Syndrome Type 2 (FLNA-OPD2). Identifiers: Orphanet 669, Orphanet 90652, MedGen C1844696, MONDO:0010571, OMIM 304120.
Melnick-Needles syndrome (MNS). Also called: MELNICK-NEEDLES OSTEODYSPLASTY; OSTEODYSPLASTY OF MELNICK AND NEEDLES; Melnick-Needles Syndrome (FLNA-MNS). Identifiers: Orphanet 2484, MedGen C0025237, MONDO:0010650, OMIM 309350.
Frontometaphyseal dysplasia (FMD1). Identifiers: Orphanet 1826, MedGen C0265293, MONDO:0015942.
FLNA-related disorder.

Allele frequency attached by ClinVar (database versions not stated): gnomAD exomes below 0.00001 and 0.00001; 1000 Genomes Project 30x 0.00021; 1000 Genomes Project 0.00026.

Submissions (5):

Labcorp Genetics (formerly Invitae), Labcorp
Classification: Benign for Oto-palato-digital syndrome, type II; Heterotopia, periventricular, X-linked dominant; Frontometaphyseal dysplasia; Melnick-Needles syndrome. Last evaluated: 2025-11-05. Review status: criteria provided, single submitter. Criteria: Invitae Variant Classification Sherloc (09022015). Collection method: clinical testing. Allele origin: germline.

Ambry Genetics
Classification: Uncertain significance for Familial thoracic aortic aneurysm and aortic dissection. Last evaluated: 2025-08-06. Review status: criteria provided, single submitter. Criteria: Ambry Variant Classification Scheme 2023. Collection method: clinical testing. Allele origin: germline.
Comment: The p.A1478S variant (also known as c.4432G>T), located in coding exon 25 of the FLNA gene, results from a G to T substitution at nucleotide position 4432. The alanine at codon 1478 is replaced by serine, an amino acid with similar properties. This variant was reported in individual(s) with pulmonary arterial hypertension (Zhu N et al. Genome Med, 2018 Jul;10:56). This amino acid position is highly conserved in available vertebrate species. In addition, the in silico prediction for this alteration is inconclusive. Based on data from gnomAD, the T allele has an overall frequency of <0.01% (1/181637) total alleles studied, with 1 hemizygote(s) observed. The highest observed frequency was <0.01% (1/13554) of East Asian alleles. Based on the available evidence, the clinical significance of this variant remains unclear.

Mayo Clinic Laboratories, Mayo Clinic
Classification: Uncertain significance. Last evaluated: 2023-10-23. Review status: criteria provided, single submitter. Criteria: ACMG Guidelines, 2015. Collection method: clinical testing. Allele origin: germline. Observed: 1 variant allele.
Comment: PP2, PM1_supporting, PM2_moderate

PreventionGenetics, part of Exact Sciences
Classification: Uncertain significance for FLNA-related condition. Last evaluated: 2023-02-27. Review status: criteria provided, single submitter. Criteria: ACMG Guidelines, 2015. Collection method: clinical testing. Allele origin: germline.
Comment: The FLNA c.4432G>T variant is predicted to result in the amino acid substitution p.Ala1478Ser. This variant was reported in an individual with pulmonary arterial hypertension and congenital heart defects (Table S4 - Zhu et al. 2018. PubMed ID: 30029678). This variant is reported in 0.0074% of alleles in individuals of East Asian descent in gnomAD. At this time, the clinical significance of this variant is uncertain due to the absence of conclusive functional and genetic evidence.

Blueprint Genetics
Classification: Uncertain significance. Last evaluated: 2019-03-19. Review status: criteria provided, single submitter. Criteria: ACMG Guidelines, 2015. Collection method: clinical testing. Allele origin: germline.

Literature cited by the submitters: PubMed 30029678 (cited by Ambry Genetics and Mayo Clinic Laboratories, Mayo Clinic).

NM_001110556.2(FLNA):c.4432G>T (p.Ala1478Ser)

Gene: FLNA (filamin A; minus strand). Cytogenetic location: Xq28.
Variant type: single nucleotide variant.
Coding change: c.4432G>T on transcript NM_001110556.2 (MANE Select); coding-DNA position 4432, G replaced by T.
Protein change: p.Ala1478Ser; replaces alanine 1478 with serine.
Molecular consequence: missense variant.
Genome position (GRCh38, 1-based): chrX:154,359,026, C>A on the plus strand (G>T on the coding strand, the complement: FLNA is on the minus strand). VCF-style: chrX-154359026-C-A. GRCh37 (hg19) VCF-style: chrX-153587394-C-A.
Other names: p.Ala1478Ser; c.4432G>T, p.Ala1478Ser (NM_001456.4); c.4432G>T (NM_001110556.1, NM_001456.3); short protein forms A1478S.
Identifiers: ClinVar variation 1357160 (VCV001357160.11), dbSNP rs781855364, ClinGen allele CA337279283.